The following is an entry in ClinVar:

ClinVar aggregate classification (germline): Likely benign. Review status: criteria provided, multiple submitters, no conflicts (2 of 4 stars). 3 submissions from 3 submitters: Likely benign (3). Last evaluated 2024-04-08.

Allele frequency attached by ClinVar (database versions not stated): ESP Exome Variant Server 0.00008; gnomAD 0.00009; ExAC 0.00012; TOPMed 0.00012.
gnomAD v4.1: 237 of 1,614,174 alleles (0.015%); highest among the groups gnomAD compares: Non-Finnish European, 0.018%; no homozygotes.

Submissions (3):

Blueprint Genetics
Classification: Likely benign. Last evaluated: 2024-04-08. Review status: criteria provided, single submitter. Criteria: ACMG Guidelines, 2015. Collection method: clinical testing. Allele origin: germline.

CeGaT Center for Human Genetics Tuebingen
Classification: Likely benign. Last evaluated: 2022-10-01. Review status: criteria provided, single submitter. Criteria: CeGaT Center For Human Genetics Tuebingen Variant Classification Criteria Version 2. Collection method: clinical testing. Allele origin: germline. Affected: yes. Observed: 2 variant alleles.
Comment: EARS2: BP4, BP7

Labcorp Genetics (formerly Invitae), Labcorp
Classification: Likely benign. Last evaluated: 2018-07-03. Review status: criteria provided, single submitter. Criteria: Invitae Variant Classification Sherloc (09022015). Collection method: clinical testing. Allele origin: germline.

NM_001083614.2(EARS2):c.1206C>T (p.Ile402=)

Gene: EARS2 (glutamyl-tRNA synthetase 2, mitochondrial; minus strand). Cytogenetic location: 16p12.2.
Variant type: single nucleotide variant.
Coding change: c.1206C>T on transcript NM_001083614.2 (MANE Select); coding-DNA position 1206, C replaced by T.
Protein change: p.Ile402=; no amino-acid change (isoleucine 402 retained).
Molecular consequence: synonymous variant. On other transcripts: non-coding transcript variant (1).
Genome position (GRCh38, 1-based): chr16:23,529,759, G>A on the plus strand (C>T on the coding strand, the complement: EARS2 is on the minus strand). VCF-style: chr16-23529759-G-A. GRCh37 (hg19) VCF-style: chr16-23541080-G-A.
Other names: c.1206C>T, p.Ile402= (NM_001308211.1).
Identifiers: ClinVar variation 756076 (VCV000756076.28), dbSNP rs376227171, ClinGen allele CA7962390.